The following is an entry in ClinVar:

NM_014780.5(CUL7):c.4651C>T (p.Gln1551Ter)

Gene: CUL7 (cullin 7; minus strand). Cytogenetic location: 6p21.1.
Variant type: single nucleotide variant.
Coding change: c.4651C>T on transcript NM_014780.5 (MANE Select); coding-DNA position 4651, C replaced by T.
Protein change: p.Gln1551Ter; replaces glutamine 1551 with a stop codon.
Molecular consequence: nonsense.
Genome position (GRCh38, 1-based): chr6:43,038,389, G>A on the plus strand (C>T on the coding strand, the complement: CUL7 is on the minus strand). VCF-style: chr6-43038389-G-A. GRCh37 (hg19) VCF-style: chr6-43006127-G-A.
Other names: c.4747C>T, p.Gln1583Ter (NM_001168370.2, NM_001374872.1); c.4663C>T, p.Gln1555Ter (NM_001374873.1); c.4648C>T, p.Gln1550Ter (NM_001374874.1); short protein forms Q1550*, Q1551*, Q1555*, Q1583*.
Identifiers: ClinVar variation 2581058 (VCV002581058.3), dbSNP rs750900568, ClinGen allele CA3813145.

ClinVar aggregate classification (germline): Conflicting classifications of pathogenicity. Review status: criteria provided, conflicting classifications (1 of 4 stars). 2 submissions from 2 submitters: Pathogenic (1); Uncertain significance (1). Last evaluated 2023-05-20.

Conditions:
3M syndrome 1. Also called: 3-M Syndrome, CUL7-Related. Identifiers: Orphanet 2616, MedGen C2678312, MONDO:0010117, OMIM 273750.

Allele frequency attached by ClinVar (database versions not stated): ExAC 0.00001.
gnomAD v4.1: 1 of 1,614,150 alleles (0.000062%); highest among the groups gnomAD compares: South Asian, 0.0011%; no homozygotes.

Submissions (2):

Neuberg Centre For Genomic Medicine, NCGM
Classification: Uncertain significance for 3M syndrome 1. Last evaluated: 2023-05-20. Review status: criteria provided, single submitter. Criteria: ACMG Guidelines, 2015. Collection method: clinical testing. Allele origin: germline. Inheritance: Autosomal recessive inheritance. Affected: yes.
Comment: The observed stop gained variant c.4651C>T(p.Gln1551Ter) in CUL7 gene has not been reported previously as a pathogenic variantnor as a benign variant, to our knowledge. The c.4651C>T variant is reported with 0.0004% allele frequency in gnomAD Exomes .Computational evidence (MutationTaster - Disease causing) predicts damaging effect on protein structure and function for thisvariant. This variant is present in the penultimate exon and variants distal are benign. For these reasons, this variant has beenclassified as Uncertain Significance.

Suma Genomics
Classification: Pathogenic for 3M syndrome 1. Review status: criteria provided, single submitter. Criteria: ACMG Guidelines, 2015. Collection method: clinical testing. Allele origin: germline. Inheritance: Autosomal recessive inheritance. Affected: yes. Observed: 1 homozygote.